The following is an entry in ClinVar:

ClinVar aggregate classification (germline): Uncertain significance (1 of 4 stars; one submission).

Submission:

GeneDx
Classification: Uncertain significance. Last evaluated: 2022-10-26. Review status: criteria provided, single submitter. Criteria: GeneDx Variant Classification Process June 2021. Collection method: clinical testing. Allele origin: germline. Affected: yes.
Comment: Not observed at significant frequency in large population cohorts (gnomAD); In silico analysis supports that this missense variant has a deleterious effect on protein structure/function; Has not been previously published as pathogenic or benign to our knowledge

NM_006035.4(CDC42BPB):c.2563G>T (p.Gly855Trp)

Gene: CDC42BPB (CDC42 binding protein kinase beta; minus strand). Cytogenetic location: 14q32.32.
Variant type: single nucleotide variant.
Coding change: c.2563G>T on transcript NM_006035.4 (MANE Select); coding-DNA position 2563, G replaced by T.
Protein change: p.Gly855Trp; replaces glycine 855 with tryptophan.
Molecular consequence: missense variant.
Genome position (GRCh38, 1-based): chr14:102,966,296, C>A on the plus strand (G>T on the coding strand, the complement: CDC42BPB is on the minus strand). VCF-style: chr14-102966296-C-A. GRCh37 (hg19) VCF-style: chr14-103432633-C-A.
Other names: c.2563G>T, p.Gly855Trp (NM_001411054.1); short protein forms G855W.
Identifiers: ClinVar variation 2500648 (VCV002500648.1), dbSNP rs2542853553, ClinGen allele CA391083728.